The following is an entry in ClinVar:

ClinVar aggregate classification (germline): Uncertain significance (1 of 4 stars; one submission).

Submission:

Labcorp Genetics (formerly Invitae), Labcorp
Classification: Uncertain significance. Last evaluated: 2022-03-26. Review status: criteria provided, single submitter. Criteria: Invitae Variant Classification Sherloc (09022015). Collection method: clinical testing. Allele origin: germline.
Comment: In summary, the available evidence is currently insufficient to determine the role of this variant in disease. Therefore, it has been classified as a Variant of Uncertain Significance. Algorithms developed to predict the effect of missense changes on protein structure and function (SIFT, PolyPhen-2, Align-GVGD) all suggest that this variant is likely to be disruptive. This variant has not been reported in the literature in individuals affected with LTBP2-related conditions. This variant is not present in population databases (gnomAD no frequency). This sequence change replaces cysteine, which is neutral and slightly polar, with serine, which is neutral and polar, at codon 1133 of the LTBP2 protein (p.Cys1133Ser).

NM_000428.3(LTBP2):c.3398G>C (p.Cys1133Ser)

Gene: LTBP2 (latent transforming growth factor beta binding protein 2; minus strand). Cytogenetic location: 14q24.3.
Variant type: single nucleotide variant.
Coding change: c.3398G>C on transcript NM_000428.3 (MANE Select); coding-DNA position 3398, G replaced by C.
Protein change: p.Cys1133Ser; replaces cysteine 1133 with serine.
Molecular consequence: missense variant.
Genome position (GRCh38, 1-based): chr14:74,509,243, C>G on the plus strand (G>C on the coding strand, the complement: LTBP2 is on the minus strand). VCF-style: chr14-74509243-C-G. GRCh37 (hg19) VCF-style: chr14-74975946-C-G.
Other names: short protein forms C1133S.
Identifiers: ClinVar variation 2117301 (VCV002117301.4), dbSNP rs2506137142, ClinGen allele CA390389121.